The following is an entry in ClinVar:

NM_015570.4(AUTS2):c.3622C>T (p.Leu1208Phe)

Gene: AUTS2 (activator of transcription and developmental regulator AUTS2; plus strand). Cytogenetic location: 7q11.22.
Variant type: single nucleotide variant.
Coding change: c.3622C>T on transcript NM_015570.4 (MANE Select); coding-DNA position 3622, C replaced by T.
Protein change: p.Leu1208Phe; replaces leucine 1208 with phenylalanine.
Molecular consequence: missense variant.
Genome position (GRCh38, 1-based): chr7:70,790,838, C>T. VCF-style: chr7-70790838-C-T. GRCh37 (hg19) VCF-style: chr7-70255824-C-T.
Other names: c.3622C>T (NM_015570.2); c.3550C>T, p.Leu1184Phe (NM_001127231.3); short protein forms L1184F, L1208F.
Identifiers: ClinVar variation 1690804 (VCV001690804.5), dbSNP rs2129561775, ClinGen allele CA367666583.

ClinVar aggregate classification (germline): Uncertain significance. Review status: criteria provided, multiple submitters, no conflicts (2 of 4 stars). 3 submissions from 3 submitters: Uncertain significance (3). Last evaluated 2025-12-15.

Allele frequency attached by ClinVar (database versions not stated): gnomAD exomes below 0.00001.
gnomAD v4.1: 1 of 1,607,322 alleles (0.000062%); highest among the groups gnomAD compares: Non-Finnish European, 0.000085%; no homozygotes.

Submissions (3):

Dasa
Classification: Uncertain significance. Last evaluated: 2025-12-15. Review status: criteria provided, single submitter. Criteria: DASA Assertion Criteria. Collection method: clinical testing. Allele origin: germline.
Comment: NM_015570.4(AUTS2):c.3622C>T (p.Leu1208Phe) is a missense variant that results in the substitution of leucine with phenylalanine. This variant is rare in population databases. The currently available literature and clinical evidence are not sufficient to establish a definitive association between this variant and the reported condition. Therefore, this variant is classified as a variant of uncertain significance.

GeneDx
Classification: Uncertain significance. Last evaluated: 2024-12-03. Review status: criteria provided, single submitter. Criteria: GeneDx Variant Classification Process June 2021. Collection method: clinical testing. Allele origin: germline. Affected: yes.
Comment: Not observed at significant frequency in large population cohorts (gnomAD); In silico analysis supports that this missense variant has a deleterious effect on protein structure/function; Has not been previously published as pathogenic or benign to our knowledge

Laboratorio de Genetica e Diagnostico Molecular, Hospital Israelita Albert Einstein
Classification: Uncertain significance. Last evaluated: 2020-02-14. Review status: criteria provided, single submitter. Criteria: ACMG Guidelines, 2015. Collection method: clinical testing. Allele origin: germline. Affected: yes.
Comment: ACMG classification criteria: PM2, BP4